The following is an entry in ClinVar:

ClinVar aggregate classification (germline): Pathogenic (1 of 4 stars; one submission).

Conditions:
Neurofibromatosis, type 1 (NF1). Also called: Neurofibromatosis, type I; NEUROFIBROMATOSIS, TYPE I, SOMATIC; Peripheral type neurofibromatosis; VON RECKLINGHAUSEN DISEASE. Identifiers: Orphanet 636, MedGen C0027831, MONDO:0018975, OMIM 162200. Disease mechanism: loss of function.

Submission:

Labcorp Genetics (formerly Invitae), Labcorp
Classification: Pathogenic for Neurofibromatosis, type 1. Last evaluated: 2023-05-22. Review status: criteria provided, single submitter. Criteria: Invitae Variant Classification Sherloc (09022015). Collection method: clinical testing. Allele origin: germline.
Comment: For these reasons, this variant has been classified as Pathogenic. Other variant(s) that result in same deletion of 3 amino acid have been determined to be pathogenic (PMID: 18546366). This suggests that this variant may also be clinically significant and likely to be disease-causing. Studies have shown that disruption of this splice site results in the activation of a cryptic splice site in 8 (Invitae). This variant has not been reported in the literature in individuals affected with NF1-related conditions. This variant is not present in population databases (gnomAD no frequency). This sequence change affects a splice site in intron 7 of the NF1 gene. RNA analysis indicates that disruption of this splice site induces altered splicing and likely results in the loss of 3 amino acid residue(s), but is expected to preserve the integrity of the reading-frame.

Literature cited by the submitters: PubMed 18546366.

NM_001042492.3(NF1):c.731-2del

Gene: NF1 (neurofibromin 1; plus strand). Cytogenetic location: 17q11.2.
Variant type: Deletion.
Coding change: c.731-2del on transcript NM_001042492.3 (MANE Select); the canonical splice acceptor site of the intron before coding-DNA position 731, one base deleted (A; older notation c.731-2delA).
Molecular consequence: splice acceptor variant.
Genome position (GRCh38, 1-based): chr17:31,182,506, A deleted. VCF-style (leftmost placement, unchanged base first): chr17-31182505-CA-C. GRCh37 (hg19) VCF-style: chr17-29509523-CA-C.
Other names: c.731-2del (NM_000267.4, NM_001128147.3).
Identifiers: ClinVar variation 2866756 (VCV002866756.3), dbSNP rs2544753081, ClinGen allele CA2739267321.
Genomic context (GRCh38, chr17:31,182,505, plus strand): 5'-TTACTTTAATGCCAGGGATTTTGTTCCTATCTAATAATGTCATTTAATATATTTTTCATG[CA>C]GAATGTGCAGAAAAGCTATTTGACTTGGTGGATGGTTTTGCTGAAAGCACCAAACGTAAA-3'